The following is an entry in ClinVar:

NM_000218.3(KCNQ1):c.1686G>T (p.Arg562Ser)

Gene: KCNQ1 (potassium voltage-gated channel subfamily Q member 1; plus strand). Cytogenetic location: 11p15.5.
Variant type: single nucleotide variant.
Coding change: c.1686G>T on transcript NM_000218.3 (MANE Select); coding-DNA position 1686, G replaced by T.
Protein change: p.Arg562Ser; replaces arginine 562 with serine.
Molecular consequence: missense variant.
Genome position (GRCh38, 1-based): chr11:2,776,986, G>T. VCF-style: chr11-2776986-G-T. GRCh37 (hg19) VCF-style: chr11-2798216-G-T.
Other names: p.R562S:AGG>AGT; c.1590G>T, p.Arg530Ser (NM_001406836.1); c.1416G>T, p.Arg472Ser (NM_001406837.1); c.1146G>T, p.Arg382Ser (NM_001406838.1); c.1305G>T, p.Arg435Ser (NM_181798.2); short protein forms R435S, R562S, R382S, R472S, R530S.
Identifiers: ClinVar variation 200855 (VCV000200855.10), dbSNP rs794728535, ClinGen allele CA006195.

ClinVar aggregate classification (germline): Pathogenic/Likely pathogenic. Review status: criteria provided, multiple submitters, no conflicts (2 of 4 stars). 2 submissions from 2 submitters: Pathogenic (1); Likely pathogenic (1). Last evaluated 2026-07-28.

Conditions:
Long QT syndrome (LQTS). Identifiers: MedGen C0023976, MeSH D008133, MONDO:0002442. Disease mechanism: loss of function. Inheritance: Various modes of inheritance.

Allele frequency attached by ClinVar (database versions not stated): gnomAD exomes below 0.00001; gnomAD 0.00001.
gnomAD v4.1: 2 of 1,613,964 alleles (0.00012%); highest among the groups gnomAD compares: South Asian, 0.0022%; no homozygotes.

Submissions (2):

GeneDx
Classification: Likely pathogenic. Last evaluated: 2026-07-28. Review status: criteria provided, single submitter. Criteria: GeneDx Variant Classification Process June 2021. Collection method: clinical testing. Allele origin: germline.
Comment: Identified in a patient referred for LQTS genetic testing in published literature (PMID: 23631430); Published functional studies demonstrate a damaging effect by shifted voltage-dependent gating, reduced currents at physiological potentials, decreased conductance, and impaired PIP2 interactions (PMID: 30170673); Not observed at significant frequency in large population cohorts (gnomAD); In silico analysis supports that this missense variant has a deleterious effect on protein structure/function; This variant is associated with the following publications: (PMID: 30170673, 23631430)

Labcorp Genetics (formerly Invitae), Labcorp
Classification: Pathogenic for Long QT syndrome. Last evaluated: 2025-07-27. Review status: criteria provided, single submitter. Criteria: Invitae Variant Classification Sherloc (09022015). Collection method: clinical testing. Allele origin: germline.
Comment: This sequence change replaces arginine, which is basic and polar, with serine, which is neutral and polar, at codon 562 of the KCNQ1 protein (p.Arg562Ser). This variant is not present in population databases (gnomAD no frequency). This missense change has been observed in individuals with long QT syndrome and/or prolonged QT interval (PMID: 22456477, 22727609, 30170673; internal data). It has also been observed to segregate with disease in related individuals. ClinVar contains an entry for this variant (Variation ID: 200855). Invitae Evidence Modeling of protein sequence and biophysical properties (such as structural, functional, and spatial information, amino acid conservation, physicochemical variation, residue mobility, and thermodynamic stability) has been performed for this missense variant. However, the output from this modeling did not meet the statistical confidence thresholds required to predict the impact of this variant on KCNQ1 protein function. Experimental studies have shown that this missense change affects KCNQ1 function (PMID: 30170673). Algorithms developed to predict the effect of sequence changes on RNA splicing suggest that this variant may disrupt the consensus splice site. For these reasons, this variant has been classified as Pathogenic.

Literature cited by the submitters: PubMed 22456477 (cited by Labcorp Genetics (formerly Invitae), Labcorp); PubMed 22727609 (cited by Labcorp Genetics (formerly Invitae), Labcorp); PubMed 30170673 (cited by Labcorp Genetics (formerly Invitae), Labcorp).